The following is an entry in ClinVar:

NM_000295.5(SERPINA1):c.244G>A (p.Ala82Thr)

Gene: SERPINA1 (serpin family A member 1; minus strand). Cytogenetic location: 14q32.13.
Variant type: single nucleotide variant.
Coding change: c.244G>A on transcript NM_000295.5 (MANE Select); coding-DNA position 244, G replaced by A.
Protein change: p.Ala82Thr; replaces alanine 82 with threonine.
Molecular consequence: missense variant.
Genome position (GRCh38, 1-based): chr14:94,382,994, C>T on the plus strand (G>A on the coding strand, the complement: SERPINA1 is on the minus strand). VCF-style: chr14-94382994-C-T. GRCh37 (hg19) VCF-style: chr14-94849331-C-T.
Other names: p.Ala82Thr; c.244G>A (NM_000295.4); c.244G>A, p.Ala82Thr (NM_001002235.3, NM_001002236.3, NM_001127700.2 and 7 more transcripts); short protein forms A82T.
Identifiers: ClinVar variation 593215 (VCV000593215.14), dbSNP rs113817720, ClinGen allele CA7327522.
Genomic context (GRCh38, chr14:94,382,994, plus strand): 5'-CCAGGATTTCATCGTGAGTGTCAGCCTTGGTCCCCAGGGAGAGCATTGCAAAGGCTGTAG[C>T]GATGCTCACTGGGGAGAAGAAGATATTGGTGCTGTTGGACTGGTGTGCCAGCTGGCGGTA-3'
Protein context (NP_000286.3, residues 72-92): TNIFFSPVSI[Ala82Thr]TAFAMLSLGT

ClinVar aggregate classification (germline): Conflicting classifications of pathogenicity. Review status: criteria provided, conflicting classifications (1 of 4 stars). 6 submissions from 6 submitters: Uncertain significance (4); Likely benign (1). 1 of the submissions does not count toward it. Last evaluated 2025-10-17.

Conditions:
SERPINA1-related disorder. Also called: SERPINA1-related condition; SerpinA1-related disorders.
Alpha-1-antitrypsin deficiency (A1ATD). Also called: Alpha1-Antitrypsin Deficiency; AAT deficiency; A1AT deficiency. Identifiers: Orphanet 60, MedGen C0221757, MONDO:0013282, OMIM 613490.

Allele frequency attached by ClinVar (database versions not stated): ExAC 0.00006; gnomAD exomes 0.00006 and 0.00014; gnomAD 0.00011; TOPMed 0.00014.

Submissions (6):

Labcorp Genetics (formerly Invitae), Labcorp
Classification: Likely benign for Alpha-1-antitrypsin deficiency. Last evaluated: 2025-10-17. Review status: criteria provided, single submitter. Criteria: Invitae Variant Classification Sherloc (09022015). Collection method: clinical testing. Allele origin: germline.

Mayo Clinic Laboratories, Mayo Clinic
Classification: Uncertain significance. Last evaluated: 2023-11-21. Review status: criteria provided, single submitter. Criteria: ACMG Guidelines, 2015. Collection method: clinical testing. Allele origin: germline. Observed: 1 variant allele.

Fulgent Genetics
Classification: Uncertain significance for Alpha-1-antitrypsin deficiency. Last evaluated: 2022-02-11. Review status: criteria provided, single submitter. Criteria: ACMG Guidelines, 2015. Collection method: clinical testing. Allele origin: unknown.

Department of Pathology and Laboratory Medicine, Sinai Health System
Classification: Uncertain significance for Alpha-1-antitrypsin deficiency. Last evaluated: 2020-08-24. Review status: criteria provided, single submitter. Criteria: ACMG Guidelines, 2015. Collection method: research. Allele origin: germline.

Eurofins Ntd Llc (ga)
Classification: Uncertain significance. Last evaluated: 2017-07-12. Review status: criteria provided, single submitter. Criteria: EGL Classification Definitions 2015. Collection method: clinical testing. Allele origin: germline. Observed: 1 variant allele, 1 heterozygote.

PreventionGenetics, part of Exact Sciences
Classification: Likely benign for SERPINA1-related condition. Last evaluated: 2023-08-13. Review status: no assertion criteria provided. Collection method: clinical testing. Allele origin: germline. Not counted in ClinVar's aggregate classification.
Comment: This variant is classified as likely benign based on ACMG/AMP sequence variant interpretation guidelines (Richards et al. 2015 PMID: 25741868, with internal and published modifications).

Literature cited by the submitters: PubMed 32482783 (cited by Mayo Clinic Laboratories, Mayo Clinic).